The following is an entry in ClinVar:

ClinVar aggregate classification (germline): Uncertain significance (1 of 4 stars; one submission).

Conditions:
Epidermodysplasia verruciformis. Identifiers: Orphanet 302, MedGen C0014522, MONDO:0009176.

Allele frequency attached by ClinVar (database versions not stated): gnomAD exomes 0.00001; ESP Exome Variant Server 0.00008; gnomAD 0.00004; TOPMed 0.00006.
gnomAD v4.1: 26 of 1,613,376 alleles (0.0016%); highest among the groups gnomAD compares: Non-Finnish European, 0.0021%; no homozygotes.

Submission:

Labcorp Genetics (formerly Invitae), Labcorp
Classification: Uncertain significance for Epidermodysplasia verruciformis. Last evaluated: 2022-03-04. Review status: criteria provided, single submitter. Criteria: Invitae Variant Classification Sherloc (09022015). Collection method: clinical testing. Allele origin: germline.
Comment: This variant has not been reported in the literature in individuals affected with TMC6-related conditions. This variant is present in population databases (rs374785246, gnomAD 0.004%). This sequence change replaces lysine, which is basic and polar, with asparagine, which is neutral and polar, at codon 748 of the TMC6 protein (p.Lys748Asn). ClinVar contains an entry for this variant (Variation ID: 1036064). In summary, the available evidence is currently insufficient to determine the role of this variant in disease. Therefore, it has been classified as a Variant of Uncertain Significance. Algorithms developed to predict the effect of missense changes on protein structure and function are either unavailable or do not agree on the potential impact of this missense change (SIFT: "Not Available"; PolyPhen-2: "Benign"; Align-GVGD: "Not Available").

NM_001127198.5(TMC6):c.2244G>T (p.Lys748Asn)

Gene: TMC6 (transmembrane channel like 6; minus strand). Cytogenetic location: 17q25.3.
Variant type: single nucleotide variant.
Coding change: c.2244G>T on transcript NM_001127198.5 (MANE Select); coding-DNA position 2244, G replaced by T.
Protein change: p.Lys748Asn; replaces lysine 748 with asparagine.
Molecular consequence: missense variant.
Genome position (GRCh38, 1-based): chr17:78,117,302, C>A on the plus strand (G>T on the coding strand, the complement: TMC6 is on the minus strand). VCF-style: chr17-78117302-C-A. GRCh37 (hg19) VCF-style: chr17-76113383-C-A.
Other names: c.2244G>T, p.Lys748Asn (NM_001321185.1, NM_001374596.1, NM_001375353.1 and 2 more transcripts); c.2064G>T, p.Lys688Asn (NM_001374593.1, NM_001374594.1); short protein forms K748N, K688N.
Identifiers: ClinVar variation 1036064 (VCV001036064.7), dbSNP rs374785246, ClinGen allele CA294341967.